The following is an entry in ClinVar:

NM_170601.5(SIAE):c.469G>C (p.Val157Leu)

Gene: SIAE (sialic acid acetylesterase; minus strand). Cytogenetic location: 11q24.2.
Variant type: single nucleotide variant.
Coding change: c.469G>C on transcript NM_170601.5 (MANE Select); coding-DNA position 469, G replaced by C.
Protein change: p.Val157Leu; replaces valine 157 with leucine.
Molecular consequence: missense variant.
Genome position (GRCh38, 1-based): chr11:124,654,730, C>G on the plus strand (G>C on the coding strand, the complement: SIAE is on the minus strand). VCF-style: chr11-124654730-C-G. GRCh37 (hg19) VCF-style: chr11-124524626-C-G.
Other names: c.364G>C, p.Val122Leu (NM_001199922.2); short protein forms V122L, V157L.
Identifiers: ClinVar variation 1508159 (VCV001508159.8), dbSNP rs534004869, ClinGen allele CA6341513.

ClinVar aggregate classification (germline): Uncertain significance (1 of 4 stars; one submission).

Allele frequency attached by ClinVar (database versions not stated): ExAC 0.00001; gnomAD exomes 0.00004.

Submission:

Labcorp Genetics (formerly Invitae), Labcorp
Classification: Uncertain significance. Last evaluated: 2023-10-05. Review status: criteria provided, single submitter. Criteria: Invitae Variant Classification Sherloc (09022015). Collection method: clinical testing. Allele origin: germline.
Comment: This sequence change replaces valine, which is neutral and non-polar, with leucine, which is neutral and non-polar, at codon 157 of the SIAE protein (p.Val157Leu). This variant is present in population databases (rs534004869, gnomAD 0.009%). This variant has not been reported in the literature in individuals affected with SIAE-related conditions. ClinVar contains an entry for this variant (Variation ID: 1508159). An algorithm developed to predict the effect of missense changes on protein structure and function (PolyPhen-2) suggests that this variant is likely to be tolerated. In summary, the available evidence is currently insufficient to determine the role of this variant in disease. Therefore, it has been classified as a Variant of Uncertain Significance.